The following is an entry in ClinVar:

NM_000489.6(ATRX):c.2372A>G (p.Asp791Gly)

Gene: ATRX (ATRX chromatin remodeler; minus strand). Cytogenetic location: Xq21.1.
Variant type: single nucleotide variant.
Coding change: c.2372A>G on transcript NM_000489.6 (MANE Select); coding-DNA position 2372, A replaced by G.
Protein change: p.Asp791Gly; replaces aspartic acid 791 with glycine.
Molecular consequence: missense variant.
Genome position (GRCh38, 1-based): chrX:77,682,884, T>C on the plus strand (A>G on the coding strand, the complement: ATRX is on the minus strand). VCF-style: chrX-77682884-T-C. GRCh37 (hg19) VCF-style: chrX-76938376-T-C.
Other names: c.2258A>G, p.Asp753Gly (NM_138270.5); short protein forms D753G, D791G.
Identifiers: ClinVar variation 3905570 (VCV003905570.11).

ClinVar aggregate classification (germline): Uncertain significance. Review status: criteria provided, multiple submitters, no conflicts (2 of 4 stars). 2 submissions from 2 submitters: Uncertain significance (2). Last evaluated 2025-05-01.

Conditions:
Alpha thalassemia-X-linked intellectual disability syndrome (ATRX). Also called: ALPHA-THALASSEMIA/MENTAL RETARDATION SYNDROME, X-LINKED; ATR, NONDELETION TYPE; ATR-X syndrome; Alpha thalassemia mental retardation syndrome, nondeletion type, X-linked; XLMR hypotonic face syndrome; X-linked alpha-thalassemia-mental retardation syndrome. Identifiers: Orphanet 847, MedGen C1845055, MONDO:0010519, OMIM 301040.

Submissions (2):

CeGaT Center for Human Genetics Tuebingen
Classification: Uncertain significance. Last evaluated: 2025-05-01. Review status: criteria provided, single submitter. Criteria: CeGaT Center For Human Genetics Tuebingen Variant Classification Criteria Version 2. Collection method: clinical testing. Allele origin: germline. Affected: yes. Observed: 1 variant allele.
Comment: ATRX: PM2

Labcorp Genetics (formerly Invitae), Labcorp
Classification: Uncertain significance for Alpha thalassemia-X-linked intellectual disability syndrome. Last evaluated: 2025-03-19. Review status: criteria provided, single submitter. Criteria: Invitae Variant Classification Sherloc (09022015). Collection method: clinical testing. Allele origin: germline.
Comment: This sequence change replaces aspartic acid, which is acidic and polar, with glycine, which is neutral and non-polar, at codon 791 of the ATRX protein (p.Asp791Gly). This variant is not present in population databases (gnomAD no frequency). This variant has not been reported in the literature in individuals affected with ATRX-related conditions. Invitae Evidence Modeling of protein sequence and biophysical properties (such as structural, functional, and spatial information, amino acid conservation, physicochemical variation, residue mobility, and thermodynamic stability) indicates that this missense variant is not expected to disrupt ATRX protein function with a negative predictive value of 95%. In summary, the available evidence is currently insufficient to determine the role of this variant in disease. Therefore, it has been classified as a Variant of Uncertain Significance.